The following is an entry in ClinVar:

ClinVar aggregate classification (germline): Uncertain significance (1 of 4 stars; one submission).

gnomAD v4.1: 1 of 1,613,924 alleles (0.000062%); highest among the groups gnomAD compares: Non-Finnish European, 0.000085%; no homozygotes.

Submission:

Labcorp Genetics (formerly Invitae), Labcorp
Classification: Uncertain significance. Last evaluated: 2025-09-07. Review status: criteria provided, single submitter. Criteria: Invitae Variant Classification Sherloc (09022015). Collection method: clinical testing. Allele origin: germline.
Comment: This sequence change creates a premature translational stop signal (p.Glu953*) in the ERBIN gene. It is expected to result in an absent or disrupted protein product. However, the current clinical and genetic evidence is not sufficient to establish whether loss-of-function variants in ERBIN cause disease. This variant is not present in population databases (gnomAD no frequency). This variant has not been reported in the literature in individuals affected with ERBIN-related conditions. Experimental studies and prediction algorithms are not available or were not evaluated, and the functional significance of this variant is currently unknown. In summary, the available evidence is currently insufficient to determine the role of this variant in disease. Therefore, it has been classified as a Variant of Uncertain Significance.

NM_001253697.2(ERBIN):c.2857G>T (p.Glu953Ter)

Gene: ERBIN (erbb2 interacting protein; plus strand). Cytogenetic location: 5q12.3.
Variant type: single nucleotide variant.
Coding change: c.2857G>T on transcript NM_001253697.2 (MANE Select); coding-DNA position 2857, G replaced by T.
Protein change: p.Glu953Ter; replaces glutamic acid 953 with a stop codon.
Molecular consequence: nonsense.
Genome position (GRCh38, 1-based): chr5:66,054,175, G>T. VCF-style: chr5-66054175-G-T. GRCh37 (hg19) VCF-style: chr5-65350003-G-T.
Other names: c.2857G>T, p.Glu953Ter (NM_001006600.3, NM_001253698.2, NM_001253699.2 and 1 more transcripts); c.2845G>T, p.Glu949Ter (NM_001253701.2); short protein forms E949*, E953*.
Identifiers: ClinVar variation 4726792 (VCV004726792.1).